The following is an entry in ClinVar:

ClinVar aggregate classification (germline): Likely benign (0 of 4 stars; one submission).

Conditions:
BCAM-related disorder. Also called: BCAM-related condition.

Allele frequency attached by ClinVar (database versions not stated): ExAC 0.00037; 1000 Genomes Project 0.00120; 1000 Genomes Project 30x 0.00141.
gnomAD v4.1: 174 of 1,612,844 alleles (0.011%); highest among the groups gnomAD compares: East Asian, 0.35%; 1 homozygote.

Submission:

PreventionGenetics, part of Exact Sciences
Classification: Likely benign for BCAM-related condition. Last evaluated: 2019-09-10. Review status: no assertion criteria provided. Collection method: clinical testing. Allele origin: germline.
Comment: This variant is classified as likely benign based on ACMG/AMP sequence variant interpretation guidelines (Richards et al. 2015 PMID: 25741868, with internal and published modifications).

NM_005581.5(BCAM):c.116C>T (p.Pro39Leu)

Gene: BCAM (basal cell adhesion molecule (Lutheran blood group); plus strand). Cytogenetic location: 19q13.32.
Variant type: single nucleotide variant.
Coding change: c.116C>T on transcript NM_005581.5 (MANE Select); coding-DNA position 116, C replaced by T.
Protein change: p.Pro39Leu; replaces proline 39 with leucine.
Molecular consequence: missense variant.
Genome position (GRCh38, 1-based): chr19:44,811,258, C>T. VCF-style: chr19-44811258-C-T. GRCh37 (hg19) VCF-style: chr19-45314515-C-T.
Other names: c.116C>T, p.Pro39Leu (NM_001013257.2); short protein forms P39L.
Identifiers: ClinVar variation 3040212 (VCV003040212.2), dbSNP rs141053619, ClinGen allele CA9504258.